The following is an entry in ClinVar:

ClinVar aggregate classification (germline): Uncertain significance. Review status: criteria provided, multiple submitters, no conflicts (2 of 4 stars). 2 submissions from 2 submitters: Uncertain significance (2). Last evaluated 2024-01-31.

Conditions:
Brain small vessel disease 2A, autosomal dominant. Also called: Porencephaly 2. Identifiers: Orphanet 2940, Orphanet 99810, MedGen C3280970, MONDO:0013773, OMIM 614483.

Submissions (2):

Women's Health and Genetics/Laboratory Corporation of America, LabCorp
Classification: Uncertain significance. Last evaluated: 2024-01-31. Review status: criteria provided, single submitter. Criteria: LabCorp Variant Classification Summary - May 2015. Collection method: clinical testing. Allele origin: germline.
Comment: Variant summary: COL4A2 c.3094A>G (p.Ile1032Val) results in a conservative amino acid change located in the Collagen triple helix repeat (IPR008160) of the encoded protein sequence. Five of five in-silico tools predict a benign effect of the variant on protein function. The variant was absent in 247548 control chromosomes. The available data on variant occurrences in the general population are insufficient to allow any conclusion about variant significance. To our knowledge, no occurrence of c.3094A>G in individuals affected with Porencephaly 2 and no experimental evidence demonstrating its impact on protein function have been reported. ClinVar contains an entry for this variant (Variation ID: 1184421). Based on the evidence outlined above, the variant was classified as uncertain significance.

New York Genome Center
Classification: Uncertain significance for Brain small vessel disease 2A, autosomal dominant. Last evaluated: 2020-07-03. Review status: criteria provided, single submitter. Criteria: NYGC Assertion Criteria 2020. Collection method: clinical testing. Allele origin: inherited. Observed: 1 heterozygote. Study: CSER-NYCKidSeq.

NM_001846.4(COL4A2):c.3094A>G (p.Ile1032Val)

Gene: COL4A2 (collagen type IV alpha 2 chain; plus strand). Cytogenetic location: 13q34.
Variant type: single nucleotide variant.
Coding change: c.3094A>G on transcript NM_001846.4 (MANE Select); coding-DNA position 3094, A replaced by G.
Protein change: p.Ile1032Val; replaces isoleucine 1032 with valine.
Molecular consequence: missense variant.
Genome position (GRCh38, 1-based): chr13:110,485,723, A>G. VCF-style: chr13-110485723-A-G. GRCh37 (hg19) VCF-style: chr13-111138070-A-G.
Other names: short protein forms I1032V.
Identifiers: ClinVar variation 1184421 (VCV001184421.2), dbSNP rs2139529268, ClinGen allele CA388729284.